The following is an entry in ClinVar:

NM_000256.3(MYBPC3):c.1830C>G (p.Asp610Glu)

Gene: MYBPC3 (myosin binding protein C3; minus strand). Cytogenetic location: 11p11.2.
Variant type: single nucleotide variant.
Coding change: c.1830C>G on transcript NM_000256.3 (MANE Select); coding-DNA position 1830, C replaced by G.
Protein change: p.Asp610Glu; replaces aspartic acid 610 with glutamic acid.
Molecular consequence: missense variant.
Genome position (GRCh38, 1-based): chr11:47,341,205, G>C on the plus strand (C>G on the coding strand, the complement: MYBPC3 is on the minus strand). VCF-style: chr11-47341205-G-C. GRCh37 (hg19) VCF-style: chr11-47362756-G-C.
Other names: c.1830C>G, p.Asp610Glu (LRG_386t1); short protein forms D610E.
Identifiers: ClinVar variation 519159 (VCV000519159.21), dbSNP rs768049705, ClinGen allele CA380323971.
Genomic context (GRCh38, chr11:47,341,205, plus strand): 5'-GTGGAGCTTGGCTGACAGGTTGCAGGCGAAGCCCTCGGGCACAAAGCTGTAGTCAGCCTC[G>C]TCGGCAGGTGTGACGTCGTCAATGGTCAGTTTGTGGACCCTGCAGGGGAGCAGTGGCTCA-3'
Protein context (NP_000247.2, residues 600-620): KLTIDDVTPA[Asp610Glu]EADYSFVPEG

ClinVar aggregate classification (germline): Uncertain significance. Review status: criteria provided, multiple submitters, no conflicts (2 of 4 stars). 5 submissions from 5 submitters: Uncertain significance (5). Last evaluated 2025-06-24.

Conditions:
Cardiovascular phenotype. Identifiers: MedGen CN230736.
Cardiomyopathy (CMYO). Also called: Cardiomyopathies. Identifiers: Orphanet 167848, MedGen C0878544, MONDO:0004994, HP:0001638. Inheritance: Various modes of inheritance.
Hypertrophic cardiomyopathy. Also called: HYPERTROPHIC MYOCARDIOPATHY. Identifiers: Orphanet 217569, MedGen C0007194, MeSH D002312, MONDO:0005045, HP:0001639.

gnomAD v4.1: 3 of 1,599,120 alleles (0.00019%); highest among the groups gnomAD compares: African/African-American, 0.0013%; no homozygotes.

Submissions (5):

Color Diagnostics, LLC DBA Color Health
Classification: Uncertain significance for Cardiomyopathy. Last evaluated: 2025-06-24. Review status: criteria provided, single submitter. Criteria: ACMG Guidelines, 2015. Collection method: clinical testing. Allele origin: germline.
Comment: This missense variant replaces aspartic acid with glutamic acid at codon 610 of the MYBPC3 protein. Computational prediction suggests that this variant may have a deleterious impact on protein structure and function. To our knowledge, functional studies have not been reported for this variant. This variant has been reported in an individual affected with hypertrophic cardiomyopathy (PMID: 33495597). This variant has not been identified in the general population by the Genome Aggregation Database (gnomAD). The available evidence is insufficient to determine the role of this variant in disease conclusively. Therefore, this variant is classified as a Variant of Uncertain Significance.

All of Us Research Program, National Institutes of Health
Classification: Uncertain significance for Hypertrophic cardiomyopathy. Last evaluated: 2023-09-05. Review status: criteria provided, single submitter. Criteria: ACMG Guidelines, 2015. Collection method: clinical testing. Allele origin: germline. Inheritance: Autosomal dominant inheritance. Observed: 2 variant alleles, 2 heterozygotes.
Comment: This missense variant replaces aspartic acid with glutamic acid at codon 610 of the MYBPC3 protein. Computational prediction tools and conservation analyses suggest that this variant may have deleterious impact on protein function. Computational splicing tools suggest that this variant may not impact RNA splicing. To our knowledge, functional assays have not been performed for this variant nor has this variant been reported in individuals affected with cardiovascular disorders in the literature. This variant has not been identified in the general population by the Genome Aggregation Database (gnomAD). Available evidence is insufficient to determine the role of this variant in disease conclusively. Therefore, this variant is classified as a Variant of Uncertain Significance.

This study involves interpretation of variants in research participants for the purpose of population health screening. Participant phenotype was not available at the time of variant classification. Additional details can be found in publication PMID: 35346344, PMCID: PMC8962531

Labcorp Genetics (formerly Invitae), Labcorp
Classification: Uncertain significance for Hypertrophic cardiomyopathy. Last evaluated: 2022-08-23. Review status: criteria provided, single submitter. Criteria: Invitae Variant Classification Sherloc (09022015). Collection method: clinical testing. Allele origin: germline.
Comment: In summary, the available evidence is currently insufficient to determine the role of this variant in disease. Therefore, it has been classified as a Variant of Uncertain Significance. This variant disrupts the p.Asp610 amino acid residue in MYBPC3. Other variant(s) that disrupt this residue have been determined to be pathogenic (PMID: 18533079, 25740977, 28356264; Invitae). This suggests that this residue is clinically significant, and that variants that disrupt this residue are likely to be disease-causing. Algorithms developed to predict the effect of missense changes on protein structure and function (SIFT, PolyPhen-2, Align-GVGD) all suggest that this variant is likely to be disruptive. ClinVar contains an entry for this variant (Variation ID: 519159). This variant has not been reported in the literature in individuals affected with MYBPC3-related conditions. This variant is not present in population databases (gnomAD no frequency). This sequence change replaces aspartic acid, which is acidic and polar, with glutamic acid, which is acidic and polar, at codon 610 of the MYBPC3 protein (p.Asp610Glu).

Ambry Genetics
Classification: Uncertain significance for Cardiovascular phenotype. Last evaluated: 2022-02-23. Review status: criteria provided, single submitter. Criteria: Ambry Variant Classification Scheme 2023. Collection method: clinical testing. Allele origin: germline.
Comment: The p.D610E variant (also known as c.1830C>G), located in coding exon 19 of the MYBPC3 gene, results from a C to G substitution at nucleotide position 1830. The aspartic acid at codon 610 is replaced by glutamic acid, an amino acid with highly similar properties. This alteration has been reported in a hypertrophic cardiomyopathy cohort; however, clinical details were limited (Harper AR et al. Nat Genet, 2021 02;53:135-142). Other alterations affecting this amino acid (p.D610H, c.1828G>C and p.D610N, c.1828G>A) have also been reported in association with hypertrophic cardiomyopathy, as well as described in sudden infant death syndrome (SIDS) and exome cohorts (Olivotto I et al. Mayo Clin. Proc., 2008 Jun;83:630-8; Brito D et al. Rev Port Cardiol. 2012;31(9):577-87; Brion M et al. Forensic Sci. Int., 2012 Jun;219:278-81; Amendola LM et al. Genome Res., 2015 Mar;25:305-15). This amino acid position is highly conserved in available vertebrate species. In addition, this alteration is predicted to be deleterious by in silico analysis. Since supporting evidence is limited at this time, the clinical significance of this alteration remains unclear.

GeneDx
Classification: Uncertain significance. Last evaluated: 2020-11-16. Review status: criteria provided, single submitter. Criteria: GeneDx Variant Classification Process June 2021. Collection method: clinical testing. Allele origin: germline. Affected: yes.
Comment: Not observed in large population cohorts (Lek et al., 2016); In silico analysis supports that this missense variant has a deleterious effect on protein structure/function; Has not been previously published as pathogenic or benign to our knowledge

Literature cited by the submitters: PubMed 33495597 (cited by Color Diagnostics, LLC DBA Color Health and Ambry Genetics); PubMed 18533079 (cited by Labcorp Genetics (formerly Invitae), Labcorp and Ambry Genetics); PubMed 25740977 (cited by Labcorp Genetics (formerly Invitae), Labcorp); PubMed 28356264 (cited by Labcorp Genetics (formerly Invitae), Labcorp); PubMed 20624503 (cited by Ambry Genetics); PubMed 22361390 (cited by Ambry Genetics); PubMed 22857948 (cited by Ambry Genetics); PubMed 25637381 (cited by Ambry Genetics).